The following is an entry in ClinVar:

ClinVar aggregate classification (germline): Uncertain significance (1 of 4 stars; one submission).

Conditions:
Cardiovascular phenotype. Identifiers: MedGen CN230736.

Submission:

Ambry Genetics
Classification: Uncertain significance for Cardiovascular phenotype. Last evaluated: 2026-07-11. Review status: criteria provided, single submitter. Criteria: Ambry Variant Classification Scheme 2023. Collection method: clinical testing. Allele origin: germline.
Comment: The p.Q1365H variant (also known as c.4095G>T), located in coding exon 23 of the DSP gene, results from a G to T substitution at nucleotide position 4095. The glutamine at codon 1365 is replaced by histidine, an amino acid with highly similar properties. This amino acid position is conserved. In addition, the in silico prediction for this alteration is inconclusive. Based on the available evidence, the clinical significance of this variant remains unclear.

NM_004415.4(DSP):c.4095G>T (p.Gln1365His)

Gene: DSP (desmoplakin; plus strand). Cytogenetic location: 6p24.3.
Variant type: single nucleotide variant.
Coding change: c.4095G>T on transcript NM_004415.4 (MANE Select); coding-DNA position 4095, G replaced by T.
Protein change: p.Gln1365His; replaces glutamine 1365 with histidine.
Molecular consequence: missense variant. On other transcripts: intron variant (2).
Genome position (GRCh38, 1-based): chr6:7,580,285, G>T. VCF-style: chr6-7580285-G-T. GRCh37 (hg19) VCF-style: chr6-7580518-G-T.
Other names: c.4050+45G>T (NM_001319034.2); c.3582+513G>T (NM_001008844.3); short protein forms Q1365H.
Identifiers: ClinVar variation 5035649 (VCV005035649.1).
Genomic context (GRCh38, chr6:7,580,285, plus strand): 5'-AAATGAACTGAGTAAGGTAAGAAACAATTATGATGAGGAGATCATTAGCTTAAAAAATCA[G>T]TTTGAGACCGAGATCAACATCACCAAGACCACCATCCACCAGCTCACCATGCAGAAGGAA-3'
Protein context (NP_004406.2, residues 1355-1375): YDEEIISLKN[Gln1365His]FETEINITKT